The following is an entry in ClinVar:

ClinVar aggregate classification (germline): Uncertain significance (1 of 4 stars; one submission).

Allele frequency attached by ClinVar (database versions not stated): gnomAD exomes below 0.00001.
gnomAD v4.1: 1 of 1,595,342 alleles (0.000063%); highest among the groups gnomAD compares: South Asian, 0.0011%; no homozygotes.

Submission:

Labcorp Genetics (formerly Invitae), Labcorp
Classification: Uncertain significance. Last evaluated: 2022-04-08. Review status: criteria provided, single submitter. Criteria: Invitae Variant Classification Sherloc (09022015). Collection method: clinical testing. Allele origin: germline.
Comment: In summary, the available evidence is currently insufficient to determine the role of this variant in disease. Therefore, it has been classified as a Variant of Uncertain Significance. Variants that disrupt the consensus splice site are a relatively common cause of aberrant splicing (PMID: 17576681, 9536098). Algorithms developed to predict the effect of sequence changes on RNA splicing suggest that this variant may create or strengthen a splice site. This variant has not been reported in the literature in individuals affected with ERCC6L2-related conditions. This variant is not present in population databases (gnomAD no frequency). This sequence change falls in intron 12 of the ERCC6L2 gene. It does not directly change the encoded amino acid sequence of the ERCC6L2 protein. It affects a nucleotide within the consensus splice site.

Literature cited by the submitters: PubMed 17576681; PubMed 9536098.

NM_020207.7(ERCC6L2):c.1847+3A>G

Gene: ERCC6L2 (ERCC excision repair 6 like 2; plus strand). Cytogenetic location: 9q22.32.
Variant type: single nucleotide variant.
Coding change: c.1847+3A>G on transcript NM_020207.7 (MANE Select); 3 bases into the intron after coding-DNA position 1847, A replaced by G.
Molecular consequence: intron variant.
Genome position (GRCh38, 1-based): chr9:95,941,552, A>G. VCF-style: chr9-95941552-A-G. GRCh37 (hg19) VCF-style: chr9-98703834-A-G.
Other names: c.1847+3A>G (NM_001375291.1, NM_001375292.1, NM_001375294.1 and 2 more transcripts).
Identifiers: ClinVar variation 2123351 (VCV002123351.4), dbSNP rs2490312457, ClinGen allele CA2580080722.